The following is an entry in ClinVar:

NM_007254.4(PNKP):c.830C>T (p.Thr277Met)

Gene: PNKP (polynucleotide kinase 3'-phosphatase; minus strand). Cytogenetic location: 19q13.33.
Variant type: single nucleotide variant.
Coding change: c.830C>T on transcript NM_007254.4 (MANE Select); coding-DNA position 830, C replaced by T.
Protein change: p.Thr277Met; replaces threonine 277 with methionine.
Molecular consequence: missense variant.
Genome position (GRCh38, 1-based): chr19:49,862,725, G>A on the plus strand (C>T on the coding strand, the complement: PNKP is on the minus strand). VCF-style: chr19-49862725-G-A. GRCh37 (hg19) VCF-style: chr19-50365982-G-A.
Other names: short protein forms T277M.
Identifiers: ClinVar variation 487233 (VCV000487233.6), dbSNP rs1453288814, ClinGen allele CA406882418.
Genomic context (GRCh38, chr19:49,862,725, plus strand): 5'-CCCTCAGCAGCCTCCAGGCCCTTACCTCCCACAAAGATGCTGTCCCCGATGGATATGGGC[G>A]TGCCGTCGTTGGCCTACGGGAGACGGTAGTGAGGAGGCCCTTCCCACAAATGTCCCCCCG-3'
Protein context (NP_009185.2, residues 267-287): DHLQEQANDG[Thr277Met]PISIGDSIFV

ClinVar aggregate classification (germline): Uncertain significance (1 of 4 stars; one submission).

Conditions:
Developmental and epileptic encephalopathy, 12 (DEE12). Identifiers: MedGen C3150988, MONDO:0013389, OMIM 613722.

Allele frequency attached by ClinVar (database versions not stated): gnomAD exomes below 0.00001; gnomAD 0.00001 and 0.00002.
gnomAD v4.1: 12 of 1,613,974 alleles (0.00074%); highest among the groups gnomAD compares: African/African-American, 0.0053%; no homozygotes.

Submission:

Labcorp Genetics (formerly Invitae), Labcorp
Classification: Uncertain significance for Developmental and epileptic encephalopathy, 12. Last evaluated: 2021-08-30. Review status: criteria provided, single submitter. Criteria: Invitae Variant Classification Sherloc (09022015). Collection method: clinical testing. Allele origin: germline.
Comment: This sequence change replaces threonine with methionine at codon 277 of the PNKP protein (p.Thr277Met). The threonine residue is weakly conserved and there is a moderate physicochemical difference between threonine and methionine. This variant is not present in population databases (ExAC no frequency). This variant has not been reported in the literature in individuals affected with PNKP-related conditions. Algorithms developed to predict the effect of missense changes on protein structure and function output the following: SIFT: "Deleterious"; PolyPhen-2: "Benign"; Align-GVGD: "Class C0". The methionine amino acid residue is found in multiple mammalian species, which suggests that this missense change does not adversely affect protein function. In summary, the available evidence is currently insufficient to determine the role of this variant in disease. Therefore, it has been classified as a Variant of Uncertain Significance.